The following is an entry in ClinVar:

NC_000020.11:g.(?_8684912)_(8881869_?)dup

Gene: PLCB1 (phospholipase C beta 1; plus strand). Cytogenetic location: 20p12.3.
Variant type: Duplication.
Identifiers: ClinVar variation 832100 (VCV000832100.8).

ClinVar aggregate classification (germline): Uncertain significance (1 of 4 stars; one submission).

Conditions:
Developmental and epileptic encephalopathy, 12 (DEE12). Identifiers: MedGen C3150988, MONDO:0013389, OMIM 613722.

Submission:

Labcorp Genetics (formerly Invitae), Labcorp
Classification: Uncertain significance for Developmental and epileptic encephalopathy, 12. Last evaluated: 2019-09-01. Review status: criteria provided, single submitter. Criteria: Invitae Variant Classification Sherloc (09022015). Collection method: clinical testing. Allele origin: germline.
Comment: In summary, the available evidence is currently insufficient to determine the role of this variant in disease. Therefore, it has been classified as a Variant of Uncertain Significance. This variant has not been reported in the literature in individuals with PLCB1-related conditions. This variant results in a copy number gain of the genomic region encompassing exons 10-32 of the PLCB1 gene. The 5' boundary is likely confined to intron 9. The 3' end of this event is unknown as it extends beyond the assayed region for this gene and therefore may encompass additional genes. As the precise location of this event is unknown, it may be in tandem or it may be located elsewhere in the genome.